The following is an entry in ClinVar:

NM_004260.4(RECQL4):c.3118C>T (p.Pro1040Ser)

Gene: RECQL4 (RecQ like helicase 4; minus strand). Cytogenetic location: 8q24.3.
Variant type: single nucleotide variant.
Coding change: c.3118C>T on transcript NM_004260.4 (MANE Select); coding-DNA position 3118, C replaced by T.
Protein change: p.Pro1040Ser; replaces proline 1040 with serine.
Molecular consequence: missense variant. On other transcripts: non-coding transcript variant (3).
Genome position (GRCh38, 1-based): chr8:144,512,262, G>A on the plus strand (C>T on the coding strand, the complement: RECQL4 is on the minus strand). VCF-style: chr8-144512262-G-A. GRCh37 (hg19) VCF-style: chr8-145737645-G-A.
Other names: c.2824C>T, p.Pro942Ser (NM_001413017.1); c.2920C>T, p.Pro974Ser (NM_001413018.1); c.3193C>T, p.Pro1065Ser (NM_001413019.1); c.3022C>T, p.Pro1008Ser (NM_001413020.1); c.2047C>T, p.Pro683Ser (NM_001413021.1, NM_001413022.1, NM_001413024.1 and 4 more transcripts); c.2122C>T, p.Pro708Ser (NM_001413023.1); c.2989C>T, p.Pro997Ser (NM_001413025.1); c.1981C>T, p.Pro661Ser (NM_001413027.1, NM_001413030.1, NM_001413032.1); and 9 more; short protein forms P1008S, P1030S, P617S, P673S, P686S, P639S, P661S, P683S.
Identifiers: ClinVar variation 3944375 (VCV003944375.2).

ClinVar aggregate classification (germline): Uncertain significance (1 of 4 stars; one submission).

Conditions:
Inborn genetic diseases. Identifiers: MedGen C0950123, MeSH D030342.

Submission:

Ambry Genetics
Classification: Uncertain significance for Inborn genetic diseases. Last evaluated: 2025-07-12. Review status: criteria provided, single submitter. Criteria: Ambry Variant Classification Scheme 2023. Collection method: clinical testing. Allele origin: germline.
Comment: The p.P1040S variant (also known as c.3118C>T), located in coding exon 18 of the RECQL4 gene, results from a C to T substitution at nucleotide position 3118. The proline at codon 1040 is replaced by serine, an amino acid with similar properties. This amino acid position is conserved. Based on the available evidence, the clinical significance of this variant remains unclear.